The following is an entry in ClinVar:

ClinVar aggregate classification (germline): Benign. Review status: criteria provided, multiple submitters, no conflicts (2 of 4 stars). 2 submissions from 2 submitters: Benign (2). Last evaluated 2018-06-19.

Allele frequency attached by ClinVar (database versions not stated): gnomAD exomes 0.05418; ExAC 0.06010; ESP Exome Variant Server 0.08156; gnomAD 0.08732 and 0.08826; TOPMed 0.09179; 1000 Genomes Project 30x 0.11758; 1000 Genomes Project 0.11841.
gnomAD v4.1: 62,711 of 1,610,752 alleles (3.9%); highest among the groups gnomAD compares: African/African-American, 22%; 3,236 homozygotes.

Submissions (2):

GeneDx
Classification: Benign. Last evaluated: 2018-06-19. Review status: criteria provided, single submitter. Criteria: GeneDx Variant Classification (06012015). Collection method: clinical testing. Allele origin: germline. Affected: yes.
Comment: This variant is considered likely benign or benign based on one or more of the following criteria: it is a conservative change, it occurs at a poorly conserved position in the protein, it is predicted to be benign by multiple in silico algorithms, and/or has population frequency not consistent with disease.

Breakthrough Genomics
Classification: Benign. Review status: criteria provided, single submitter. Criteria: ACMG Guidelines, 2015. Collection method: not provided. Allele origin: germline. Inheritance: Autosomal dominant inheritance. Affected: yes.

NM_001130969.3(NSMF):c.1495+41G>A

Genes: NSMF (NMDA receptor synaptonuclear signaling and neuronal migration factor; minus strand), LOC126860797 (MED14-independent group 3 enhancer GRCh37_chr9:140343721-140344920; plus strand). Cytogenetic location: 9q34.3.
Variant type: single nucleotide variant.
Coding change: c.1495+41G>A on transcript NM_001130969.3 (MANE Select); 41 bases into the intron after coding-DNA position 1495, G replaced by A.
Molecular consequence: intron variant.
Genome position (GRCh38, 1-based): chr9:137,449,558, C>T on the plus strand (G>A on the coding strand, the complement: NSMF is on the minus strand). VCF-style: chr9-137449558-C-T. GRCh37 (hg19) VCF-style: chr9-140344010-C-T.
Other names: c.1420+41G>A (NM_001130971.2); c.1489+41G>A (NM_015537.5); c.1426+41G>A (NM_001130970.2); c.1405+41G>A (NM_001178064.2).
Identifiers: ClinVar variation 673559 (VCV000673559.2), dbSNP rs41297241, ClinGen allele CA5369950.